The following is an entry in ClinVar:

ClinVar aggregate classification (germline): Uncertain significance (1 of 4 stars; one submission).

Submission:

Labcorp Genetics (formerly Invitae), Labcorp
Classification: Uncertain significance. Last evaluated: 2025-06-04. Review status: criteria provided, single submitter. Criteria: Invitae Variant Classification Sherloc (09022015). Collection method: clinical testing. Allele origin: germline.
Comment: This sequence change replaces cysteine, which is neutral and slightly polar, with phenylalanine, which is neutral and non-polar, at codon 102 of the POGLUT1 protein (p.Cys102Phe). This variant is present in population databases (no rsID available, gnomAD 0.002%). This missense change has been observed in individual(s) with POGLUT1-related conditions (PMID: 31897643). ClinVar contains an entry for this variant (Variation ID: 3705189). An algorithm developed to predict the effect of missense changes on protein structure and function (PolyPhen-2) suggests that this variant is likely to be disruptive. Experimental studies have shown that this missense change affects POGLUT1 function (PMID: 31897643). In summary, the available evidence is currently insufficient to determine the role of this variant in disease. Therefore, it has been classified as a Variant of Uncertain Significance.

Literature cited by the submitters: PubMed 31897643.

NM_152305.3(POGLUT1):c.305_306delinsTT (p.Cys102Phe)

Gene: POGLUT1 (protein O-glucosyltransferase 1; plus strand). Cytogenetic location: 3q13.33.
Variant type: Indel.
Coding change: c.305_306delinsTT on transcript NM_152305.3 (MANE Select); coding-DNA positions 305 to 306, GC replaced by TT.
Protein change: p.Cys102Phe; replaces cysteine 102 with phenylalanine.
Molecular consequence: missense variant. On other transcripts: non-coding transcript variant (1).
Genome position (GRCh38, 1-based): chr3:119,471,437-119,471,438, GC replaced by TT. VCF-style: chr3-119471437-GC-TT. GRCh37 (hg19) VCF-style: chr3-119190284-GC-TT.
Other names: short protein forms C102F.
Identifiers: ClinVar variation 3705189 (VCV003705189.2).